The following is an entry in ClinVar:

ClinVar aggregate classification (germline): Conflicting classifications of pathogenicity. Review status: criteria provided, conflicting classifications (1 of 4 stars). 5 submissions from 5 submitters: Uncertain significance (3); Benign (1); Likely benign (1). Last evaluated 2025-12-21.

Conditions:
TSC1-related disorder. Also called: TSC1-related condition.
Hereditary cancer-predisposing syndrome. Also called: Tumor predisposition; Hereditary neoplastic syndrome; Neoplastic Syndromes, Hereditary; Hereditary Cancer Syndrome. Identifiers: Orphanet 140162, MedGen C0027672, MeSH D009386, MONDO:0015356.
Tuberous sclerosis syndrome (TSC). Also called: Tuberous Sclerosis Complex; Tuberous sclerosis. Identifiers: Orphanet 805, MedGen C0041341, MONDO:0001734.
Tuberous sclerosis 1 (TSC1). Identifiers: Orphanet 805, MedGen C1854465, MONDO:0008612, OMIM 191100.

Allele frequency attached by ClinVar (database versions not stated): gnomAD exomes below 0.00001; gnomAD 0.00001; TOPMed 0.00001.

Submissions (5):

Labcorp Genetics (formerly Invitae), Labcorp
Classification: Benign for Tuberous sclerosis 1. Last evaluated: 2025-12-21. Review status: criteria provided, single submitter. Criteria: Invitae Variant Classification Sherloc (09022015). Collection method: clinical testing. Allele origin: germline.

PreventionGenetics, part of Exact Sciences
Classification: Uncertain significance for TSC1-related condition. Last evaluated: 2025-08-14. Review status: criteria provided, single submitter. Criteria: ACMG Guidelines, 2015. Collection method: clinical testing. Allele origin: germline.
Comment: The TSC1 c.3200T>G variant is predicted to result in the amino acid substitution p.Met1067Arg. To our knowledge, this variant has not been reported in the literature or in a large population database (gnomAD), indicating this variant is rare, and has conflicting interpretations in ClinVar, ranging from uncertain to benign (Variation ID: 466124). Although we suspect that this variant may be benign, at this time, the clinical significance of this variant is uncertain due to the absence of conclusive functional and genetic evidence.

All of Us Research Program, National Institutes of Health
Classification: Uncertain significance for Tuberous sclerosis syndrome. Last evaluated: 2024-08-06. Review status: criteria provided, single submitter. Criteria: ACMG Guidelines, 2015. Collection method: clinical testing. Allele origin: germline. Inheritance: Autosomal dominant inheritance. Observed: 2 variant alleles, 2 heterozygotes.
Comment: This missense variant replaces methionine with arginine at codon 1067 of the TSC1 protein. Computational prediction suggests that this variant may not impact protein structure and function (internally defined REVEL score threshold <= 0.5, PMID: 27666373). To our knowledge, functional studies have not been reported for this variant. This variant has not been reported in individuals affected with TSC1-related disorders in the literature. This variant has not been identified in the general population by the Genome Aggregation Database (gnomAD). The available evidence is insufficient to determine the role of this variant in disease conclusively. Therefore, this variant is classified as a Variant of Uncertain Significance.

This study involves interpretation of variants in research participants for the purpose of population health screening. Participant phenotype was not available at the time of variant classification. Additional details can be found in publication PMID: 35346344, PMCID: PMC8962531

Ambry Genetics
Classification: Uncertain significance for Hereditary cancer-predisposing syndrome. Last evaluated: 2023-11-14. Review status: criteria provided, single submitter. Criteria: Ambry Variant Classification Scheme 2023. Collection method: clinical testing. Allele origin: germline.
Comment: The p.M1067R variant (also known as c.3200T>G), located in coding exon 21 of the TSC1 gene, results from a T to G substitution at nucleotide position 3200. The methionine at codon 1067 is replaced by arginine, an amino acid with similar properties. This amino acid position is poorly conserved in available vertebrate species. In addition, this alteration is predicted to be tolerated by in silico analysis. Since supporting evidence is limited at this time, the clinical significance of this alteration remains unclear.

Genome-Nilou Lab
Classification: Likely benign for Tuberous sclerosis 1. Last evaluated: 2021-11-07. Review status: criteria provided, single submitter. Criteria: ACMG Guidelines, 2015. Collection method: clinical testing. Allele origin: germline. Affected: no.

NM_000368.5(TSC1):c.3200T>G (p.Met1067Arg)

Gene: TSC1 (TSC complex subunit 1; minus strand). Cytogenetic location: 9q34.13.
Variant type: single nucleotide variant.
Coding change: c.3200T>G on transcript NM_000368.5 (MANE Select); coding-DNA position 3200, T replaced by G.
Protein change: p.Met1067Arg; replaces methionine 1067 with arginine.
Molecular consequence: missense variant.
Genome position (GRCh38, 1-based): chr9:132,896,530, A>C on the plus strand (T>G on the coding strand, the complement: TSC1 is on the minus strand). VCF-style: chr9-132896530-A-C. GRCh37 (hg19) VCF-style: chr9-135771917-A-C.
Other names: c.3197T>G, p.Met1066Arg (NM_001162426.2); c.3047T>G, p.Met1016Arg (NM_001162427.2); c.2837T>G, p.Met946Arg (NM_001362177.2); short protein forms M1067R, M946R, M1066R, M1016R.
Identifiers: ClinVar variation 466124 (VCV000466124.21), dbSNP rs1167362899, ClinGen allele CA375367039.